The following is an entry in ClinVar:

ClinVar aggregate classification (germline): Uncertain significance (1 of 4 stars; one submission).

Submission:

Dasa
Classification: Uncertain significance. Last evaluated: 2026-06-09. Review status: criteria provided, single submitter. Criteria: DASA Assertion Criteria. Collection method: clinical testing. Allele origin: germline.
Comment: NM_000350.3(ABCA4):c.2066A>G (p.Gln689Arg) is a missense variant that results in the substitution of glutamine with arginine. The affected residue or protein region has prior evidence supporting clinical relevance. This variant is rare in population databases. The currently available literature and clinical evidence are not sufficient to establish a definitive association between this variant and the reported condition. Therefore, this variant is classified as a variant of uncertain significance.

NM_000350.3(ABCA4):c.2066A>G (p.Gln689Arg)

Gene: ABCA4 (ATP binding cassette subfamily A member 4; minus strand). Cytogenetic location: 1p22.1.
Variant type: single nucleotide variant.
Coding change: c.2066A>G on transcript NM_000350.3 (MANE Select); coding-DNA position 2066, A replaced by G.
Protein change: p.Gln689Arg; replaces glutamine 689 with arginine.
Molecular consequence: missense variant.
Genome position (GRCh38, 1-based): chr1:94,060,631, T>C on the plus strand (A>G on the coding strand, the complement: ABCA4 is on the minus strand). VCF-style: chr1-94060631-T-C. GRCh37 (hg19) VCF-style: chr1-94526187-T-C.
Other names: c.2066A>G, p.Gln689Arg (NM_001425324.1); short protein forms Q689R.
Identifiers: ClinVar variation 5020410 (VCV005020410.1).